The following is an entry in ClinVar:

NM_001709.5(BDNF):c.15C>T (p.Phe5=)

Genes: BDNF (brain derived neurotrophic factor; minus strand), BDNF-AS (BDNF antisense RNA; plus strand). Cytogenetic location: 11p14.1.
Variant type: single nucleotide variant.
Coding change: c.15C>T on transcript NM_001709.5 (MANE Select); coding-DNA position 15, C replaced by T.
Protein change: p.Phe5=; no amino-acid change (phenylalanine 5 retained).
Molecular consequence: synonymous variant.
Genome position (GRCh38, 1-based): chr11:27,658,550, G>A on the plus strand (C>T on the coding strand, the complement: BDNF is on the minus strand). VCF-style: chr11-27658550-G-A. GRCh37 (hg19) VCF-style: chr11-27680097-G-A.
Other names: c.15C>T, p.Phe5= (NM_001143805.1, NM_001143806.1, NM_001143807.2 and 9 more transcripts); c.102C>T, p.Phe34= (NM_001143809.2); c.261C>T, p.Phe87= (NM_001143810.2); c.39C>T, p.Phe13= (NM_170731.5); c.60C>T, p.Phe20= (NM_170734.4).
Identifiers: ClinVar variation 3351460 (VCV003351460.1).

ClinVar aggregate classification (germline): Likely benign (0 of 4 stars; one submission).

Conditions:
BDNF-related disorder. Also called: BDNF-related condition.

gnomAD v4.1: 18 of 1,614,034 alleles (0.0011%); highest among the groups gnomAD compares: African/African-American, 0.004%; no homozygotes.

Submission:

PreventionGenetics, part of Exact Sciences
Classification: Likely benign for BDNF-related condition. Last evaluated: 2020-07-14. Review status: no assertion criteria provided. Collection method: clinical testing. Allele origin: germline.
Comment: This variant is classified as likely benign based on ACMG/AMP sequence variant interpretation guidelines (Richards et al. 2015 PMID: 25741868, with internal and published modifications).